The following is an entry in ClinVar:

ClinVar aggregate classification (germline): Likely benign. Review status: criteria provided, single submitter (1 of 4 stars). 2 submissions from 2 submitters: Likely benign (1). 1 of the submissions does not count toward it. Last evaluated 2022-09-24.

Conditions:
TRPM1-related disorder. Also called: TRPM1-related condition.

Allele frequency attached by ClinVar (database versions not stated): ExAC 0.00001; gnomAD 0.00001; gnomAD exomes 0.00001.
gnomAD v4.1: 12 of 1,614,112 alleles (0.00074%); highest among the groups gnomAD compares: South Asian, 0.012%; no homozygotes.

Submissions (2):

Labcorp Genetics (formerly Invitae), Labcorp
Classification: Likely benign. Last evaluated: 2022-09-24. Review status: criteria provided, single submitter. Criteria: Invitae Variant Classification Sherloc (09022015). Collection method: clinical testing. Allele origin: germline.

PreventionGenetics, part of Exact Sciences
Classification: Likely benign for TRPM1-related condition. Last evaluated: 2019-07-02. Review status: no assertion criteria provided. Collection method: clinical testing. Allele origin: germline. Not counted in ClinVar's aggregate classification.
Comment: This variant is classified as likely benign based on ACMG/AMP sequence variant interpretation guidelines (Richards et al. 2015 PMID: 25741868, with internal and published modifications).

NM_001252024.2(TRPM1):c.1902C>T (p.Phe634=)

Gene: TRPM1 (transient receptor potential cation channel subfamily M member 1; minus strand). Cytogenetic location: 15q13.3.
Variant type: single nucleotide variant.
Coding change: c.1902C>T on transcript NM_001252024.2 (MANE Select); coding-DNA position 1902, C replaced by T.
Protein change: p.Phe634=; no amino-acid change (phenylalanine 634 retained).
Molecular consequence: synonymous variant.
Genome position (GRCh38, 1-based): chr15:31,042,136, G>A on the plus strand (C>T on the coding strand, the complement: TRPM1 is on the minus strand). VCF-style: chr15-31042136-G-A. GRCh37 (hg19) VCF-style: chr15-31334339-G-A.
Other names: c.1953C>T (NM_001252020.1); c.1953C>T, p.Phe651= (NM_001252020.2); c.1836C>T, p.Phe612= (NM_002420.6).
Identifiers: ClinVar variation 1915698 (VCV001915698.7), dbSNP rs752785771, ClinGen allele CA7452367.